The following is an entry in ClinVar:

NM_000051.4(ATM):c.218A>G (p.Glu73Gly)

Gene: ATM (ATM serine/threonine kinase; plus strand). Cytogenetic location: 11q22.3.
Variant type: single nucleotide variant.
Coding change: c.218A>G on transcript NM_000051.4 (MANE Select); coding-DNA position 218, A replaced by G.
Protein change: p.Glu73Gly; replaces glutamic acid 73 with glycine.
Molecular consequence: missense variant.
Genome position (GRCh38, 1-based): chr11:108,229,210, A>G. VCF-style: chr11-108229210-A-G. GRCh37 (hg19) VCF-style: chr11-108099937-A-G.
Other names: c.218A>G, p.Glu73Gly (NM_001351834.2, NM_001351835.2, NM_001351836.2); short protein forms E73G.
Identifiers: ClinVar variation 1787392 (VCV001787392.2), dbSNP rs2496919146, ClinGen allele CA382521367.
Genomic context (GRCh38, chr11:108,229,210, plus strand): 5'-TCTGAAATTGCATTTTGTTTTCTTGAAGATTTTTACAGAAATATATTCAGAAAGAAACAG[A>G]ATGTCTGAGAATAGCAAAACCAAATGTATCAGCCTCAACACAAGCCTCCAGGCAGAAAAA-3'
Protein context (NP_000042.3, residues 63-83): FLQKYIQKET[Glu73Gly]CLRIAKPNVS

ClinVar aggregate classification (germline): Uncertain significance (1 of 4 stars; one submission).

Conditions:
Hereditary cancer-predisposing syndrome. Also called: Neoplastic Syndromes, Hereditary; Tumor predisposition; Hereditary Cancer Syndrome; Hereditary neoplastic syndrome. Identifiers: Orphanet 140162, MedGen C0027672, MeSH D009386, MONDO:0015356.

gnomAD v4.1: 1 of 1,613,266 alleles (0.000062%); highest among the groups gnomAD compares: Non-Finnish European, 0.000085%; no homozygotes.

Submission:

Ambry Genetics
Classification: Uncertain significance for Hereditary cancer-predisposing syndrome. Last evaluated: 2021-12-29. Review status: criteria provided, single submitter. Criteria: Ambry Variant Classification Scheme 2023. Collection method: clinical testing. Allele origin: germline.
Comment: The p.E73G variant (also known as c.218A>G), located in coding exon 3 of the ATM gene, results from an A to G substitution at nucleotide position 218. The glutamic acid at codon 73 is replaced by glycine, an amino acid with similar properties. This amino acid position is highly conserved in available vertebrate species. In addition, the in silico prediction for this alteration is inconclusive. Since supporting evidence is limited at this time, the clinical significance of this alteration remains unclear.